The following is an entry in ClinVar:

ClinVar aggregate classification (germline): Uncertain significance (1 of 4 stars; one submission).

Conditions:
Hereditary cancer-predisposing syndrome. Also called: Hereditary Cancer Syndrome; Hereditary neoplastic syndrome; Neoplastic Syndromes, Hereditary; Tumor predisposition. Identifiers: Orphanet 140162, MedGen C0027672, MeSH D009386, MONDO:0015356.

Submission:

Sema4
Classification: Uncertain significance for Hereditary cancer-predisposing syndrome. Last evaluated: 2021-04-07. Review status: criteria provided, single submitter. Criteria: Sema4 Curation Guidelines. Collection method: curation. Allele origin: germline.
Comment: The TSC1 c.1748C>G (p.P583R) variant has not been reported in the literature to our knowledge. It was not observed in the large and broad cohorts of the Genome Aggregation Database. The variant has not been reported in ClinVar. In silico tools suggest the impact of the variant on protein function is deleterious, though these predictions have not been confirmed by functional studies. The evidence is insufficient to meet ACMG/AMP criteria for classifying the variant as benign or pathogenic. Thus, the clinical significance of this variant is currently uncertain.

NM_000368.5(TSC1):c.1748C>G (p.Pro583Arg)

Gene: TSC1 (TSC complex subunit 1; minus strand). Cytogenetic location: 9q34.13.
Variant type: single nucleotide variant.
Coding change: c.1748C>G on transcript NM_000368.5 (MANE Select); coding-DNA position 1748, C replaced by G.
Protein change: p.Pro583Arg; replaces proline 583 with arginine.
Molecular consequence: missense variant.
Genome position (GRCh38, 1-based): chr9:132,905,830, G>C on the plus strand (C>G on the coding strand, the complement: TSC1 is on the minus strand). VCF-style: chr9-132905830-G-C. GRCh37 (hg19) VCF-style: chr9-135781217-G-C.
Other names: c.1745C>G, p.Pro582Arg (NM_001162426.2); c.1595C>G, p.Pro532Arg (NM_001162427.2); c.1385C>G, p.Pro462Arg (NM_001362177.2); short protein forms P462R, P532R, P582R, P583R.
Identifiers: ClinVar variation 1692392 (VCV001692392.1), dbSNP rs2131827057, ClinGen allele CA375363807.